The following is an entry in ClinVar:

NM_000349.3(STAR):c.719del (p.Thr240fs)

Gene: STAR (steroidogenic acute regulatory protein; minus strand). Cytogenetic location: 8p11.23.
Variant type: Deletion.
Coding change: c.719del on transcript NM_000349.3 (MANE Select); coding-DNA position 719, one base deleted (C; older notation c.719delC).
Protein change: p.Thr240fs; shifts the reading frame from threonine 240.
Molecular consequence: frameshift variant.
Genome position (GRCh38, 1-based): chr8:38,145,247, G deleted on the plus strand (C on the coding strand, the reverse complement: STAR is on the minus strand). VCF-style (leftmost placement, unchanged base first): chr8-38145246-CG-C. GRCh37 (hg19) VCF-style: chr8-38002764-CG-C.
Other names: short protein forms T240fs.
Identifiers: ClinVar variation 1076650 (VCV001076650.7), dbSNP rs1171152008, ClinGen allele CA581109900.

ClinVar aggregate classification (germline): Pathogenic. Review status: criteria provided, multiple submitters, no conflicts (2 of 4 stars). 3 submissions from 3 submitters: Pathogenic (3). Last evaluated 2024-05-09.

Conditions:
Congenital lipoid adrenal hyperplasia due to STAR deficency. Also called: Lipoid adrenal hyperplasia; ADRENAL HYPERPLASIA I; Congenital Lipoid Adrenal Hyperplasia; Cholesterol monooxygenase (side-chain cleaving) deficiency. Identifiers: Orphanet 418, Orphanet 90790, MedGen C0342474, MONDO:0008725, OMIM 201710.

Allele frequency attached by ClinVar (database versions not stated): gnomAD exomes below 0.00001 and 0.00001.

Submissions (3):

Fulgent Genetics
Classification: Pathogenic for Congenital lipoid adrenal hyperplasia due to STAR deficency. Last evaluated: 2024-05-09. Review status: criteria provided, single submitter. Criteria: ACMG Guidelines, 2015. Collection method: clinical testing. Allele origin: germline.

Labcorp Genetics (formerly Invitae), Labcorp
Classification: Pathogenic. Last evaluated: 2023-07-19. Review status: criteria provided, single submitter. Criteria: Invitae Variant Classification Sherloc (09022015). Collection method: clinical testing. Allele origin: germline.
Comment: For these reasons, this variant has been classified as Pathogenic. This variant disrupts a region of the STAR protein in which other variant(s) (p.Gln258*) have been determined to be pathogenic (PMID: 8948562, 9097960, 22028173, 28467518). This suggests that this is a clinically significant region of the protein, and that variants that disrupt it are likely to be disease-causing. Algorithms developed to predict the effect of sequence changes on RNA splicing suggest that this variant may disrupt the consensus splice site. ClinVar contains an entry for this variant (Variation ID: 1076650). This frameshift has been observed in individual(s) with clinical features of congenital lipoid adrenal hyperplasia (PMID: 26827627, 27698074, 27899157). In at least one individual the data is consistent with being in trans (on the opposite chromosome) from a pathogenic variant. This variant is present in population databases (no rsID available, gnomAD 0.02%). This sequence change results in a frameshift in the STAR gene (p.Thr240Serfs*81). While this is not anticipated to result in nonsense mediated decay, it is expected to disrupt the last 46 amino acid(s) of the STAR protein and extend the protein by 34 additional amino acid residues.

3billion
Classification: Pathogenic for Congenital lipoid adrenal hyperplasia due to STAR deficency. Last evaluated: 2023-06-19. Review status: criteria provided, single submitter. Criteria: ACMG Guidelines, 2015. Collection method: clinical testing. Allele origin: germline. Affected: yes.
Comment: The variant is observed at an extremely low frequency in the gnomAD v2.1.1 dataset (total allele frequency: 0.001%). Predicted Consequence/Location: Frameshift: predicted to result in a loss or disruption of normal protein function through protein truncation. The predicted truncated protein may be shortened by more than 10%. The variant has been reported to be in trans with a pathogenic variant as either compound heterozygous or homozygous in at least one similarly affected unrelated individual (PMID: 26827627). The variant has been reported at least twice as pathogenic without evidence for the classification (ClinVar ID: VCV001076650 /PMID: 26827627, 27698074, 27899157). Therefore, this variant is classified as Pathogenic according to the recommendation of ACMG/AMP guideline.

Literature cited by the submitters: PubMed 8948562 (cited by Labcorp Genetics (formerly Invitae), Labcorp); PubMed 9097960 (cited by Labcorp Genetics (formerly Invitae), Labcorp); PubMed 22028173 (cited by Labcorp Genetics (formerly Invitae), Labcorp); PubMed 28467518 (cited by Labcorp Genetics (formerly Invitae), Labcorp); PubMed 26827627 (cited by Labcorp Genetics (formerly Invitae), Labcorp and 3billion); PubMed 27698074 (cited by Labcorp Genetics (formerly Invitae), Labcorp); PubMed 27899157 (cited by Labcorp Genetics (formerly Invitae), Labcorp).